The following is an entry in ClinVar:

NM_002740.6(PRKCI):c.644C>G (p.Thr215Arg)

Gene: PRKCI (protein kinase C iota; plus strand). Cytogenetic location: 3q26.2.
Variant type: single nucleotide variant.
Coding change: c.644C>G on transcript NM_002740.6 (MANE Select); coding-DNA position 644, C replaced by G.
Protein change: p.Thr215Arg; replaces threonine 215 with arginine.
Molecular consequence: missense variant.
Genome position (GRCh38, 1-based): chr3:170,273,338, C>G. VCF-style: chr3-170273338-C-G. GRCh37 (hg19) VCF-style: chr3-169991126-C-G.
Other names: short protein forms T215R.
Identifiers: ClinVar variation 4980375 (VCV004980375.1).

ClinVar aggregate classification (germline): Uncertain significance (1 of 4 stars; one submission).

Conditions:
PRKCI-related disorder. Also called: PRKCI-related condition.

gnomAD v4.1: 18 of 1,613,260 alleles (0.0011%); highest among the groups gnomAD compares: Middle Eastern, 0.016%; no homozygotes.

Submission:

PreventionGenetics, part of Exact Sciences
Classification: Uncertain significance for PRKCI-related condition. Last evaluated: 2025-12-23. Review status: criteria provided, single submitter. Criteria: ACMG Guidelines, 2015. Collection method: clinical testing. Allele origin: germline.
Comment: The PRKCI c.644C>G variant is predicted to result in the amino acid substitution p.Thr215Arg. To our knowledge, this variant has not been reported in the literature. This variant is reported in 0.0040% of alleles in individuals of African descent in gnomAD. At this time, the clinical significance of this variant is uncertain due to the absence of conclusive functional and genetic evidence.